The following is an entry in ClinVar:

ClinVar aggregate classification (germline): Uncertain significance (1 of 4 stars; one submission).

Submission:

Women's Health and Genetics/Laboratory Corporation of America, LabCorp
Classification: Uncertain significance. Last evaluated: 2022-12-19. Review status: criteria provided, single submitter. Criteria: LabCorp Variant Classification Summary - May 2015. Collection method: clinical testing. Allele origin: germline.
Comment: Variant summary: SOS2 c.3163_3183dup21 (p.His1055_Arg1061dup) results in an in-frame duplication that is predicted to duplicate 7 amino acids into the encoded protein. The variant was absent in 251454 control chromosomes (gnomAD). To our knowledge, no occurrence of c.3163_3183dup21 in individuals affected with Noonan Syndrome and no experimental evidence demonstrating its impact on protein function have been reported. No clinical diagnostic laboratories have submitted clinical-significance assessments for this variant to ClinVar after 2014. Based on the evidence outlined above, the variant was classified as uncertain significance.

NM_006939.4(SOS2):c.3163_3183dup (p.Arg1061_Glu1062insHisProThrProLeuGluArg)

Gene: SOS2 (SOS Ras/Rho guanine nucleotide exchange factor 2; minus strand). Cytogenetic location: 14q21.3.
Variant type: Duplication.
Coding change: c.3163_3183dup on transcript NM_006939.4 (MANE Select); coding-DNA positions 3163 to 3183, 21 bases duplicated (CACCCAACACCATTAGAAAGA).
Protein change: p.Arg1061_Glu1062insHisProThrProLeuGluArg.
Molecular consequence: inframe insertion.
Genome position (GRCh38, 1-based): chr14:50,130,655-50,130,675, TCTTTCTAATGGTGTTGGGTG duplicated on the plus strand (CACCCAACACCATTAGAAAGA on the coding strand, the reverse complement: SOS2 is on the minus strand). VCF-style (leftmost placement, unchanged base first): chr14-50130654-C-CTCTTTCTAATGGTGTTGGGTG. GRCh37 (hg19) VCF-style: chr14-50597372-C-CTCTTTCTAATGGTGTTGGGTG.
Other names: c.3064_3084dup, p.Arg1028_Glu1029insHisProThrProLeuGluArg (NM_001411020.1).
Identifiers: ClinVar variation 1878342 (VCV001878342.1), dbSNP rs2502826090, ClinGen allele CA2580088164.